The following is an entry in ClinVar:

NM_031407.7(HUWE1):c.4049A>T (p.Glu1350Val)

Gene: HUWE1 (HECT, UBA and WWE domain containing E3 ubiquitin protein ligase 1; minus strand). Cytogenetic location: Xp11.22.
Variant type: single nucleotide variant.
Coding change: c.4049A>T on transcript NM_031407.7 (MANE Select); coding-DNA position 4049, A replaced by T.
Protein change: p.Glu1350Val; replaces glutamic acid 1350 with valine.
Molecular consequence: missense variant.
Genome position (GRCh38, 1-based): chrX:53,591,046, T>A on the plus strand (A>T on the coding strand, the complement: HUWE1 is on the minus strand). VCF-style: chrX-53591046-T-A. GRCh37 (hg19) VCF-style: chrX-53618006-T-A.
Other names: c.4049A>T, p.Glu1350Val (NM_001441058.1, NM_001441048.1, NM_001441049.1 and 6 more transcripts); c.4070A>T, p.Glu1357Val (NM_001441050.1, NM_001441055.1); short protein forms E1350V, E1357V.
Identifiers: ClinVar variation 4854522 (VCV004854522.1).

ClinVar aggregate classification (germline): Uncertain significance (1 of 4 stars; one submission).

Conditions:
Intellectual developmental disorder, X-linked, syndromic, Turner type. Also called: X-linked intellectual disability, Turner type; Intellectual disability, X-linked syndromic, Turner type. Identifiers: Orphanet 3056, Orphanet 85328, MedGen C2678046, MONDO:0010407, OMIM 309590.

Submission:

3billion
Classification: Uncertain significance for Intellectual developmental disorder, X-linked, syndromic, Turner type. Last evaluated: 2025-09-10. Review status: criteria provided, single submitter. Criteria: ACMG Guidelines, 2015. Collection method: clinical testing. Allele origin: germline. Affected: yes.
Comment: The variant is not observed in the gnomAD v4.1.0 dataset. Predicted Consequence/Location: Missense variant In silico tool predictions suggest damaging effect of the variant on gene or gene product [REVEL: 0.72 (>=0.6, sensitivity 0.68 and specificity 0.92)]. Therefore, this variant is classified as VUS according to the recommendation of ACMG/AMP guideline.